The following is an entry in ClinVar:

ClinVar aggregate classification (germline): Uncertain significance. Review status: criteria provided, multiple submitters, no conflicts (2 of 4 stars). 2 submissions from 2 submitters: Uncertain significance (2). Last evaluated 2025-11-10.

Conditions:
Cardiovascular phenotype. Identifiers: MedGen CN230736.
Alstrom syndrome (ALMS). Identifiers: Orphanet 64, MedGen C0268425, MONDO:0008763, OMIM 203800.

Submissions (2):

Labcorp Genetics (formerly Invitae), Labcorp
Classification: Uncertain significance for Alstrom syndrome. Last evaluated: 2025-11-10. Review status: criteria provided, single submitter. Criteria: Invitae Variant Classification Sherloc (09022015). Collection method: clinical testing. Allele origin: germline.
Comment: This variant, c.2296_3153del, results in the deletion of 286 amino acid(s) of the ALMS1 protein (p.Ser766_Tyr1051del), but otherwise preserves the integrity of the reading frame. This variant is not present in population databases (gnomAD no frequency). This variant has not been reported in the literature in individuals affected with ALMS1-related conditions. ClinVar contains an entry for this variant (Variation ID: 1483767). Experimental studies and prediction algorithms are not available or were not evaluated, and the functional significance of this variant is currently unknown. In summary, the available evidence is currently insufficient to determine the role of this variant in disease. Therefore, it has been classified as a Variant of Uncertain Significance.

Ambry Genetics
Classification: Uncertain significance for Cardiovascular phenotype. Last evaluated: 2023-09-19. Review status: criteria provided, single submitter. Criteria: Ambry Variant Classification Scheme 2023. Collection method: clinical testing. Allele origin: germline.
Comment: The c.2296_3153del858 variant (also known as p.S766_Y1051del), located in coding exon 8 in the ALMS1 gene, results from an in-frame deletion of 858 nucleotides at positions c.2296 to c.3153. This results in the in-frame deletion of 286 amino acids within coding exon 8. The exact functional effect of the missing amino acids is unknown. Since supporting evidence is limited at this time, the clinical significance of this alteration remains unclear.

NM_001378454.1(ALMS1):c.2293_3150del (p.Ser765_Tyr1050del)

Gene: ALMS1 (ALMS1 centrosome and basal body associated protein; plus strand). Cytogenetic location: 2p13.1.
Variant type: Deletion.
Coding change: c.2293_3150del on transcript NM_001378454.1 (MANE Select); coding-DNA positions 2293 to 3150, 858 bases deleted.
Protein change: p.Ser765_Tyr1050del.
Molecular consequence: inframe deletion.
Genome position (GRCh38, 1-based): chr2:73,448,820-73,449,677, 858 bases deleted. GRCh37 (hg19): chr2:73,675,947-73,676,804.
Other names: c.2296_3153del858 (NM_015120.4); c.2296_3153del, p.Ser766_Tyr1051del (NM_015120.4).
Identifiers: ClinVar variation 1483767 (VCV001483767.10), dbSNP rs2103774407, ClinGen allele CA2573135745.